The following is an entry in ClinVar:

NM_002485.5(NBN):c.1556A>G (p.Asp519Gly)

Gene: NBN (nibrin; minus strand). Cytogenetic location: 8q21.3.
Variant type: single nucleotide variant.
Coding change: c.1556A>G on transcript NM_002485.5 (MANE Select); coding-DNA position 1556, A replaced by G.
Protein change: p.Asp519Gly; replaces aspartic acid 519 with glycine.
Molecular consequence: missense variant.
Genome position (GRCh38, 1-based): chr8:89,953,533, T>C on the plus strand (A>G on the coding strand, the complement: NBN is on the minus strand). VCF-style: chr8-89953533-T-C. GRCh37 (hg19) VCF-style: chr8-90965761-T-C.
Other names: c.1310A>G, p.Asp437Gly (NM_001024688.3); short protein forms D437G, D519G.
Identifiers: ClinVar variation 2121247 (VCV002121247.5), dbSNP rs2488232558, ClinGen allele CA371655606.

ClinVar aggregate classification (germline): Uncertain significance. Review status: criteria provided, multiple submitters, no conflicts (2 of 4 stars). 2 submissions from 2 submitters: Uncertain significance (2). Last evaluated 2025-05-31.

Conditions:
Hereditary cancer-predisposing syndrome. Also called: Tumor predisposition; Hereditary Cancer Syndrome; Neoplastic Syndromes, Hereditary; Hereditary neoplastic syndrome. Identifiers: Orphanet 140162, MedGen C0027672, MeSH D009386, MONDO:0015356.
Microcephaly, normal intelligence and immunodeficiency (NBS). Also called: Nijmegen breakage syndrome; Microcephaly with normal intelligence immunodeficiency and lymphoreticular malignancies; Nonsyndromal microcephaly autosomal recessive with normal intelligence; Seemanova syndrome 2; Immunodeficiency, microcephaly with normal intelligence; Ataxia telangiectasia variant V1. Identifiers: Orphanet 647, MedGen C0398791, MONDO:0009623, OMIM 251260.

Submissions (2):

Ambry Genetics
Classification: Uncertain significance for Hereditary cancer-predisposing syndrome. Last evaluated: 2025-05-31. Review status: criteria provided, single submitter. Criteria: Ambry Variant Classification Scheme 2023. Collection method: clinical testing. Allele origin: germline.
Comment: The p.D519G variant (also known as c.1556A>G), located in coding exon 11 of the NBN gene, results from an A to G substitution at nucleotide position 1556. The aspartic acid at codon 519 is replaced by glycine, an amino acid with similar properties. This amino acid position is conserved. In addition, this alteration is predicted to be tolerated by in silico analysis. Based on the available evidence, the clinical significance of this variant remains unclear.

Labcorp Genetics (formerly Invitae), Labcorp
Classification: Uncertain significance for Microcephaly, normal intelligence and immunodeficiency. Last evaluated: 2022-04-07. Review status: criteria provided, single submitter. Criteria: Invitae Variant Classification Sherloc (09022015). Collection method: clinical testing. Allele origin: germline.
Comment: In summary, the available evidence is currently insufficient to determine the role of this variant in disease. Therefore, it has been classified as a Variant of Uncertain Significance. Algorithms developed to predict the effect of missense changes on protein structure and function (SIFT, PolyPhen-2, Align-GVGD) all suggest that this variant is likely to be tolerated. This variant has not been reported in the literature in individuals affected with NBN-related conditions. This variant is not present in population databases (gnomAD no frequency). This sequence change replaces aspartic acid, which is acidic and polar, with glycine, which is neutral and non-polar, at codon 519 of the NBN protein (p.Asp519Gly).